The following is an entry in ClinVar:

NM_000444.6(PHEX):c.1506C>G (p.Tyr502Ter)

Gene: PHEX (phosphate regulating endopeptidase X-linked; plus strand). Cytogenetic location: Xp22.11.
Variant type: single nucleotide variant.
Coding change: c.1506C>G on transcript NM_000444.6 (MANE Select); coding-DNA position 1506, C replaced by G.
Protein change: p.Tyr502Ter; replaces tyrosine 502 with a stop codon.
Molecular consequence: nonsense.
Genome position (GRCh38, 1-based): chrX:22,178,296, C>G. VCF-style: chrX-22178296-C-G. GRCh37 (hg19) VCF-style: chrX-22196413-C-G.
Other names: c.1506C>G, p.Tyr502Ter (NM_001282754.2); short protein forms Y502*.
Identifiers: ClinVar variation 939273 (VCV000939273.7), dbSNP rs1933773048, ClinGen allele CA412574829.

ClinVar aggregate classification (germline): Pathogenic (1 of 4 stars; one submission).

Submission:

Labcorp Genetics (formerly Invitae), Labcorp
Classification: Pathogenic. Last evaluated: 2021-06-16. Review status: criteria provided, single submitter. Criteria: Invitae Variant Classification Sherloc (09022015). Collection method: clinical testing. Allele origin: germline.
Comment: This sequence change creates a premature translational stop signal (p.Tyr502*) in the PHEX gene. It is expected to result in an absent or disrupted protein product. Loss-of-function variants in PHEX are known to be pathogenic (PMID: 9097956, 9106524, 19219621). This variant is not present in population databases (ExAC no frequency). This variant has not been reported in the literature in individuals with PHEX-related conditions. ClinVar contains an entry for this variant (Variation ID: 939273). For these reasons, this variant has been classified as Pathogenic.

Literature cited by the submitters: PubMed 9097956; PubMed 9106524; PubMed 19219621.